The following is an entry in ClinVar:

NM_206933.4(USH2A):c.3801G>A (p.Ala1267=)

Genes: USH2A (usherin; minus strand), USH2A-AS1 (USH2A antisense RNA 1; plus strand). Cytogenetic location: 1q41.
Variant type: single nucleotide variant.
Coding change: c.3801G>A on transcript NM_206933.4 (MANE Select); coding-DNA position 3801, G replaced by A.
Protein change: p.Ala1267=; no amino-acid change (alanine 1267 retained).
Molecular consequence: synonymous variant.
Genome position (GRCh38, 1-based): chr1:216,199,637, C>T on the plus strand (G>A on the coding strand, the complement: USH2A is on the minus strand). VCF-style: chr1-216199637-C-T. GRCh37 (hg19) VCF-style: chr1-216372979-C-T.
Other names: c.3801G>A, p.Ala1267= (NM_007123.6).
Identifiers: ClinVar variation 166508 (VCV000166508.20), dbSNP rs537863698, ClinGen allele CA179570.

ClinVar aggregate classification (germline): Conflicting classifications of pathogenicity. Review status: criteria provided, conflicting classifications (1 of 4 stars). 6 submissions from 5 submitters: Uncertain significance (3); Likely benign (3). Last evaluated 2025-11-18.

Conditions:
Retinitis pigmentosa (RP). Identifiers: Orphanet 791, MedGen C0035334, MeSH D012174, MONDO:0019200, OMIM 268000. Inheritance: Autosomal dominant, autosomal recessive and X linked inheritance.
Usher syndrome type 2A. Also called: USHER SYNDROME, TYPE IIA; RETINAL DISEASE IN USHER SYNDROME TYPE IIA, MODIFIER OF. Identifiers: Orphanet 231178, Orphanet 886, MedGen C1848634, MONDO:0010169, OMIM 276901.

Allele frequency attached by ClinVar (database versions not stated): ExAC 0.00004; gnomAD exomes 0.00004; TOPMed 0.00006; gnomAD 0.00008; 1000 Genomes Project 0.00040; 1000 Genomes Project 30x 0.00047.
gnomAD v4.1: 51 of 1,613,942 alleles (0.0032%); highest among the groups gnomAD compares: African/African-American, 0.035%; no homozygotes.

Submissions (6):

Labcorp Genetics (formerly Invitae), Labcorp
Classification: Likely benign. Last evaluated: 2025-11-18. Review status: criteria provided, single submitter. Criteria: Invitae Variant Classification Sherloc (09022015). Collection method: clinical testing. Allele origin: germline.

Blueprint Genetics
Classification: Uncertain significance. Last evaluated: 2021-12-02. Review status: criteria provided, single submitter. Criteria: ACMG Guidelines, 2015. Collection method: clinical testing. Allele origin: germline.

GeneDx
Classification: Likely benign. Last evaluated: 2020-11-27. Review status: criteria provided, single submitter. Criteria: GeneDx Variant Classification Process June 2021. Collection method: clinical testing. Allele origin: germline. Affected: yes.

Illumina Laboratory Services, Illumina
Classification: Uncertain significance for Usher syndrome type 2A. Last evaluated: 2018-01-12. Review status: criteria provided, single submitter. Criteria: ICSL Variant Classification Criteria 13 December 2019. Collection method: clinical testing. Allele origin: germline.

Illumina Laboratory Services, Illumina
Classification: Uncertain significance for Retinitis pigmentosa. Last evaluated: 2018-01-12. Review status: criteria provided, single submitter. Criteria: ICSL Variant Classification Criteria 13 December 2019. Collection method: clinical testing. Allele origin: germline.

Laboratory for Molecular Medicine, Mass General Brigham Personalized Medicine
Classification: Likely benign. Last evaluated: 2014-09-11. Review status: criteria provided, single submitter. Criteria: LMM Criteria. Collection method: clinical testing. Allele origin: germline. Observed: 1 variant allele.
Comment: Ala1267Ala in exon 17 of USH2A: This variant is not expected to have clinical si gnificance because it does not alter an amino acid residue and is not located wi thin the splice consensus sequence.